The following is an entry in ClinVar:

ClinVar aggregate classification (germline): Uncertain significance (1 of 4 stars; one submission).

Submission:

Greenwood Genetic Center Diagnostic Laboratories, Greenwood Genetic Center
Classification: Uncertain significance. Last evaluated: 2023-10-10. Review status: criteria provided, single submitter. Criteria: ACMG Guidelines, 2015. Collection method: clinical testing. Allele origin: germline. Affected: yes.
Comment: PM2, PP3

NM_001007527.2(LMBRD2):c.1599T>A (p.Tyr533Ter)

Gene: LMBRD2 (LMBR1 domain containing 2; minus strand). Cytogenetic location: 5p13.2.
Variant type: single nucleotide variant.
Coding change: c.1599T>A on transcript NM_001007527.2 (MANE Select); coding-DNA position 1599, T replaced by A.
Protein change: p.Tyr533Ter; replaces tyrosine 533 with a stop codon.
Molecular consequence: nonsense.
Genome position (GRCh38, 1-based): chr5:36,114,465, A>T on the plus strand (T>A on the coding strand, the complement: LMBRD2 is on the minus strand). VCF-style: chr5-36114465-A-T. GRCh37 (hg19) VCF-style: chr5-36114567-A-T.
Other names: short protein forms Y533*.
Identifiers: ClinVar variation 2692538 (VCV002692538.1), dbSNP rs1036878378, ClinGen allele CA359443354.